The following is an entry in ClinVar:

NM_001278669.2(NFATC1):c.1099G>A (p.Ala367Thr)

Gene: NFATC1 (nuclear factor of activated T cells 1; plus strand). Cytogenetic location: 18q23.
Variant type: single nucleotide variant.
Coding change: c.1099G>A on transcript NM_001278669.2 (MANE Select); coding-DNA position 1099, G replaced by A.
Protein change: p.Ala367Thr; replaces alanine 367 with threonine.
Molecular consequence: missense variant. On other transcripts: intron variant (2).
Genome position (GRCh38, 1-based): chr18:79,411,374, G>A. VCF-style: chr18-79411374-G-A. GRCh37 (hg19) VCF-style: chr18-77171374-G-A.
Other names: c.1099G>A, p.Ala367Thr (NM_001278670.2, NM_006162.5, NM_172390.3); c.1060G>A, p.Ala354Thr (NM_001278672.2, NM_001278675.2, NM_172387.3 and 1 more transcripts); c.-191+15023G>A (NM_172388.3); c.-191+10895G>A (NM_001278673.2); short protein forms A367T, A354T.
Identifiers: ClinVar variation 2714572 (VCV002714572.3), dbSNP rs181064956, ClinGen allele CA9009036.

ClinVar aggregate classification (germline): Uncertain significance (1 of 4 stars; one submission).

Allele frequency attached by ClinVar (database versions not stated): ExAC 0.00006; 1000 Genomes Project 30x 0.00031; 1000 Genomes Project 0.00040.
gnomAD v4.1: 78 of 1,585,638 alleles (0.0049%); highest among the groups gnomAD compares: Middle Eastern, 0.034%; 1 homozygote.

Submission:

Labcorp Genetics (formerly Invitae), Labcorp
Classification: Uncertain significance. Last evaluated: 2025-05-16. Review status: criteria provided, single submitter. Criteria: Invitae Variant Classification Sherloc (09022015). Collection method: clinical testing. Allele origin: germline.
Comment: This sequence change replaces alanine, which is neutral and non-polar, with threonine, which is neutral and polar, at codon 367 of the NFATC1 protein (p.Ala367Thr). This variant is present in population databases (rs181064956, gnomAD 0.09%), and has an allele count higher than expected for a pathogenic variant. This variant has not been reported in the literature in individuals affected with NFATC1-related conditions. ClinVar contains an entry for this variant (Variation ID: 2714572). An algorithm developed to predict the effect of missense changes on protein structure and function (PolyPhen-2) suggests that this variant is likely to be tolerated. In summary, the available evidence is currently insufficient to determine the role of this variant in disease. Therefore, it has been classified as a Variant of Uncertain Significance.